The following is an entry in ClinVar:

NM_014845.6(FIG4):c.1242T>C (p.Ile414=)

Gene: FIG4 (FIG4 phosphoinositide 5-phosphatase; plus strand). Cytogenetic location: 6q21.
Variant type: single nucleotide variant.
Coding change: c.1242T>C on transcript NM_014845.6 (MANE Select); coding-DNA position 1242, T replaced by C.
Protein change: p.Ile414=; no amino-acid change (isoleucine 414 retained).
Molecular consequence: synonymous variant.
Genome position (GRCh38, 1-based): chr6:109,760,354, T>C. VCF-style: chr6-109760354-T-C. GRCh37 (hg19) VCF-style: chr6-110081557-T-C.
Other names: p.Ile414=.
Identifiers: ClinVar variation 355038 (VCV000355038.23), dbSNP rs61729087, ClinGen allele CA3956021.

ClinVar aggregate classification (germline): Benign/Likely benign. Review status: criteria provided, multiple submitters, no conflicts (2 of 4 stars). 10 submissions from 9 submitters: Benign (8); Likely benign (2). Last evaluated 2026-02-01.

Conditions:
Inborn genetic diseases. Identifiers: MedGen C0950123, MeSH D030342.
Charcot-Marie-Tooth disease type 4J (CMT4J). Also called: CHARCOT-MARIE-TOOTH DISEASE, AUTOSOMAL RECESSIVE, TYPE 4J; Charcot-Marie-Tooth Neuropathy Type 4J; CHARCOT-MARIE-TOOTH DISEASE, DEMYELINATING, TYPE 4J. Identifiers: Orphanet 139515, MedGen C1970011, MONDO:0012640, OMIM 611228.
Charcot-Marie-Tooth disease type 4. Also called: Charcot-Marie-Tooth, Type 4; Charcot-Marie-Tooth disease, type IV. Identifiers: Orphanet 64749, MedGen C4082197, MONDO:0018995.
Charcot-Marie-Tooth disease. Also called: Charcot-Marie-Tooth Neuropathy; Charcot-Marie-Tooth Hereditary Neuropathy. Identifiers: Orphanet 166, MedGen C0007959, MONDO:0015626.
Bilateral parasagittal parieto-occipital polymicrogyria. Also called: Polymicrogyria, bilateral temporooccipital. Identifiers: Orphanet 208441, MedGen C4013648, MONDO:0012986, OMIM 612691.
Amyotrophic lateral sclerosis type 11 (ALS11). Identifiers: Orphanet 803, MedGen C2675491, MONDO:0012945, OMIM 612577.
Yunis-Varon syndrome (YVS). Also called: Cleidocranial dysplasia, micrognathia, absent thumbs, & distal aphalangia. Identifiers: Orphanet 3472, MedGen C1857663, MONDO:0008995, OMIM 216340.

Allele frequency attached by ClinVar (database versions not stated): gnomAD exomes 0.00093 and 0.00216; ExAC 0.00249; 1000 Genomes Project 0.00799; ESP Exome Variant Server 0.00823; gnomAD 0.00823 and 0.00891; 1000 Genomes Project 30x 0.00906; TOPMed 0.00939.
gnomAD v4.1: 2,724 of 1,613,216 alleles (0.17%); highest among the groups gnomAD compares: African/African-American, 2.7%; 42 homozygotes.

Submissions (10):

Labcorp Genetics (formerly Invitae), Labcorp
Classification: Benign for Charcot-Marie-Tooth disease type 4. Last evaluated: 2026-02-01. Review status: criteria provided, single submitter. Criteria: Invitae Variant Classification Sherloc (09022015). Collection method: clinical testing. Allele origin: germline.

ARUP Laboratories, Molecular Genetics and Genomics, ARUP Laboratories
Classification: Benign. Last evaluated: 2025-04-17. Review status: criteria provided, single submitter. Criteria: ARUP Molecular Germline Variant Investigation Process 2024. Collection method: clinical testing. Allele origin: germline.

Athena Diagnostics
Classification: Benign. Last evaluated: 2024-07-31. Review status: criteria provided, single submitter. Criteria: Athena Diagnostics Criteria. Collection method: clinical testing. Allele origin: unknown.

Ambry Genetics
Classification: Likely benign for Inborn genetic diseases. Last evaluated: 2022-03-03. Review status: criteria provided, single submitter. Criteria: Ambry Variant Classification Scheme 2023. Collection method: clinical testing. Allele origin: germline.

Fulgent Genetics
Classification: Likely benign for Yunis-Varon syndrome; Charcot-Marie-Tooth disease type 4J; Amyotrophic lateral sclerosis type 11; Bilateral parasagittal parieto-occipital polymicrogyria. Last evaluated: 2021-08-06. Review status: criteria provided, single submitter. Criteria: ACMG Guidelines, 2015. Collection method: clinical testing. Allele origin: unknown.

Illumina Laboratory Services, Illumina
Classification: Benign for Charcot-Marie-Tooth disease type 4J. Last evaluated: 2018-01-13. Review status: criteria provided, single submitter. Criteria: ICSL Variant Classification Criteria 13 December 2019. Collection method: clinical testing. Allele origin: germline.
Comment: This variant was observed in the ICSL laboratory as part of a predisposition screen in an ostensibly healthy population. It had not been previously curated by ICSL or reported in the Human Gene Mutation Database (HGMD: prior to June 1st, 2018), and was therefore a candidate for classification through an automated scoring system. Utilizing variant allele frequency, disease prevalence and penetrance estimates, and inheritance mode, an automated score was calculated to assess if this variant is too frequent to cause the disease. Based on the score and internal cut-off values, a variant classified as benign is not then subjected to further curation. The score for this variant resulted in a classification of benign for this disease.

Illumina Laboratory Services, Illumina
Classification: Benign for Amyotrophic lateral sclerosis type 11. Last evaluated: 2018-01-13. Review status: criteria provided, single submitter. Criteria: ICSL Variant Classification Criteria 13 December 2019. Collection method: clinical testing. Allele origin: germline.
Comment: the same text as in the submission from Illumina Laboratory Services, Illumina above.

GeneDx
Classification: Benign. Last evaluated: 2016-09-29. Review status: criteria provided, single submitter. Criteria: GeneDx Variant Classification (06012015). Collection method: clinical testing. Allele origin: germline. Affected: yes.
Comment: This variant is considered likely benign or benign based on one or more of the following criteria: it is a conservative change, it occurs at a poorly conserved position in the protein, it is predicted to be benign by multiple in silico algorithms, and/or has population frequency not consistent with disease.

Mayo Clinic Laboratories, Mayo Clinic
Classification: Benign. Last evaluated: 2016-03-07. Review status: criteria provided, single submitter. Criteria: ACMG Guidelines, 2015. Collection method: clinical testing. Allele origin: germline. Observed: 9 variant alleles.

Molecular Genetics Laboratory, London Health Sciences Centre
Classification: Benign for Charcot-Marie-Tooth disease. Review status: criteria provided, single submitter. Criteria: ACMG Guidelines, 2015. Collection method: clinical testing. Allele origin: germline. Affected: yes.